The following is an entry in ClinVar:

ClinVar aggregate classification (germline): Pathogenic (1 of 4 stars; one submission).

Conditions:
Hermansky-Pudlak syndrome 1 (HPS1). Also called: DELTA STORAGE POOL DISEASE. Identifiers: Orphanet 231500, Orphanet 79430, MedGen C2931875, MONDO:0008748, OMIM 203300.

Submission:

Myriad Genetics, Inc.
Classification: Pathogenic for Hermansky-Pudlak syndrome 1. Last evaluated: 2024-11-27. Review status: criteria provided, single submitter. Criteria: Myriad Autosomal Dominant, Autosomal Recessive and X-Linked Classification Criteria (2023). Collection method: clinical testing. Allele origin: unknown.
Comment: NM_000195.3(HPS1):c.532C>T(Q178*) is expected to be pathogenic in the context of Hermansky-Pudlak syndrome, HPS1-related. This variant is predicted to lead to an abnormal or absent protein product due to the creation of a premature termination codon in HPS1, a gene where loss-of-function variants are known to be pathogenic. Please note: this variant was assessed in the context of healthy population screening.

NM_000195.5(HPS1):c.532C>T (p.Gln178Ter)

Gene: HPS1 (HPS1 biogenesis of lysosomal organelles complex 3 subunit 1; minus strand). Cytogenetic location: 10q24.2.
Variant type: single nucleotide variant.
Coding change: c.532C>T on transcript NM_000195.5 (MANE Select); coding-DNA position 532, C replaced by T.
Protein change: p.Gln178Ter; replaces glutamine 178 with a stop codon.
Molecular consequence: nonsense. On other transcripts: 5 prime UTR variant (3), intron variant (5).
Genome position (GRCh38, 1-based): chr10:98,431,267, G>A on the plus strand (C>T on the coding strand, the complement: HPS1 is on the minus strand). VCF-style: chr10-98431267-G-A. GRCh37 (hg19) VCF-style: chr10-100191024-G-A.
Other names: c.-342C>T (NM_001311345.2, NM_001322489.2); c.532C>T, p.Gln178Ter (NM_001322476.2, NM_001322477.2, NM_001322478.2 and 3 more transcripts); c.163C>T, p.Gln55Ter (NM_001322483.2, NM_001322484.2, NM_001322485.2); c.-441C>T (NM_001322487.2); c.408-597C>T (NM_001322480.2, NM_001322482.2, NM_001322481.2); c.551-597C>T (NM_001322492.2, NM_001322490.2); short protein forms Q178*, Q55*.
Identifiers: ClinVar variation 5013816 (VCV005013816.1).